The following is an entry in ClinVar:

ClinVar aggregate classification (germline): Uncertain significance (1 of 4 stars; one submission).

Conditions:
Emery-Dreifuss muscular dystrophy 4, autosomal dominant (EDMD4). Also called: EMERY-DREIFUSS MUSCULAR DYSTROPHY 4 WITH VARIABLE FEATURES. Identifiers: Orphanet 261, MedGen C2751807, MONDO:0013071, OMIM 612998.
Autosomal recessive ataxia, Beauce type. Also called: Spinocerebellar ataxia, autosomal recessive 8; ATAXIA, RECESSIVE, OF BEAUCE; SYNE1-Related Autosomal Recessive Cerebellar Ataxia; SYNE1 Deficiency. Identifiers: Orphanet 88644, MedGen C1853116, MONDO:0012549, OMIM 610743.

gnomAD v4.1: 3 of 1,614,214 alleles (0.00019%); highest among the groups gnomAD compares: African/African-American, 0.0013%; no homozygotes.

Submission:

Labcorp Genetics (formerly Invitae), Labcorp
Classification: Uncertain significance for Emery-Dreifuss muscular dystrophy 4, autosomal dominant; Autosomal recessive ataxia, Beauce type. Last evaluated: 2024-03-30. Review status: criteria provided, single submitter. Criteria: Invitae Variant Classification Sherloc (09022015). Collection method: clinical testing. Allele origin: germline.
Comment: This sequence change replaces asparagine, which is neutral and polar, with serine, which is neutral and polar, at codon 3273 of the SYNE1 protein (p.Asn3273Ser). The frequency data for this variant in the population databases is considered unreliable, as metrics indicate poor data quality at this position in the gnomAD database. This variant has not been reported in the literature in individuals affected with SYNE1-related conditions. Algorithms developed to predict the effect of missense changes on protein structure and function output the following: SIFT: "Not Available"; PolyPhen-2: "Benign"; Align-GVGD: "Not Available". The serine amino acid residue is found in multiple mammalian species, which suggests that this missense change does not adversely affect protein function. In summary, the available evidence is currently insufficient to determine the role of this variant in disease. Therefore, it has been classified as a Variant of Uncertain Significance.

NM_182961.4(SYNE1):c.9797A>G (p.Asn3266Ser)

Gene: SYNE1 (spectrin repeat containing nuclear envelope protein 1; minus strand). Cytogenetic location: 6q25.2.
Variant type: single nucleotide variant.
Coding change: c.9797A>G on transcript NM_182961.4 (MANE Select); coding-DNA position 9797, A replaced by G.
Protein change: p.Asn3266Ser; replaces asparagine 3266 with serine.
Molecular consequence: missense variant.
Genome position (GRCh38, 1-based): chr6:152,368,982, T>C on the plus strand (A>G on the coding strand, the complement: SYNE1 is on the minus strand). VCF-style: chr6-152368982-T-C. GRCh37 (hg19) VCF-style: chr6-152690117-T-C.
Other names: c.9818A>G, p.Asn3273Ser (NM_033071.5); short protein forms N3266S, N3273S.
Identifiers: ClinVar variation 3758669 (VCV003758669.2).